The following is an entry in ClinVar:

ClinVar aggregate classification (germline): Uncertain significance (1 of 4 stars; one submission).

Submission:

Women's Health and Genetics/Laboratory Corporation of America, LabCorp
Classification: Uncertain significance. Last evaluated: 2025-09-09. Review status: criteria provided, single submitter. Criteria: LabCorp Variant Classification Summary - May 2015. Collection method: clinical testing. Allele origin: germline.
Comment: Variant summary: GNE c.1226A>C (p.Asp409Ala) results in a non-conservative amino acid change in the encoded protein sequence. Algorithms developed to predict the effect of missense changes on protein structure and function all suggest that this variant is likely to be disruptive. The variant was absent in 251400 control chromosomes. To our knowledge, no occurrence of c.1226A>C in individuals affected with GNE-related conditions and no experimental evidence demonstrating its impact on protein function have been reported. Three different variants affecting the same codon have been classified as likely pathogenic/pathogenic by our lab (p.Asp409Tyr, p.Asp409His, p.Asp409Glu), supporting the critical relevance of codon 409 to GNE protein function. No submitters have cited clinical-significance assessments for this variant to ClinVar. Based on the evidence outlined above, the variant was classified as VUS-possibly pathogenic.

NM_005476.7(GNE):c.1133A>C (p.Asp378Ala)

Gene: GNE (glucosamine (UDP-N-acetyl)-2-epimerase/N-acetylmannosamine kinase; minus strand). Cytogenetic location: 9p13.3.
Variant type: single nucleotide variant.
Coding change: c.1133A>C on transcript NM_005476.7 (MANE Select); coding-DNA position 1133, A replaced by C.
Protein change: p.Asp378Ala; replaces aspartic acid 378 with alanine.
Molecular consequence: missense variant.
Genome position (GRCh38, 1-based): chr9:36,227,396, T>G on the plus strand (A>C on the coding strand, the complement: GNE is on the minus strand). VCF-style: chr9-36227396-T-G. GRCh37 (hg19) VCF-style: chr9-36227393-T-G.
Other names: c.1226A>C, p.Asp409Ala (NM_001128227.3); c.1133A>C, p.Asp378Ala (NM_001190383.3); c.803A>C, p.Asp268Ala (NM_001190384.3); c.956A>C, p.Asp319Ala (NM_001190388.2, NM_001374798.1); c.980A>C, p.Asp327Ala (NM_001374797.1); short protein forms D268A, D319A, D327A, D378A, D409A.
Identifiers: ClinVar variation 4535650 (VCV004535650.1).